The following is an entry in ClinVar:

NM_020822.3(KCNT1):c.2639T>C (p.Leu880Pro)

Gene: KCNT1 (potassium sodium-activated channel subfamily T member 1; plus strand). Cytogenetic location: 9q34.3.
Variant type: single nucleotide variant.
Coding change: c.2639T>C on transcript NM_020822.3 (MANE Select); coding-DNA position 2639, T replaced by C.
Protein change: p.Leu880Pro; replaces leucine 880 with proline.
Molecular consequence: missense variant.
Genome position (GRCh38, 1-based): chr9:135,778,732, T>C. VCF-style: chr9-135778732-T-C. GRCh37 (hg19) VCF-style: chr9-138670578-T-C.
Other names: c.2504T>C, p.Leu835Pro (NM_001272003.2); short protein forms L835P, L880P.
Identifiers: ClinVar variation 3754482 (VCV003754482.2).

ClinVar aggregate classification (germline): Uncertain significance (1 of 4 stars; one submission).

Conditions:
Autosomal dominant nocturnal frontal lobe epilepsy 5. Also called: KCNT1-Related Epilepsy; CILIARY DYSKINESIA, PRIMARY, 28, WITHOUT SITUS INVERSUS; CILIARY DYSKINESIA, PRIMARY, 28, WITH SITUS INVERSUS; Epilepsy, nocturnal frontal lobe, 5. Identifiers: Orphanet 98784, MedGen C3554306, MONDO:0014002, OMIM 615005.
Developmental and epileptic encephalopathy, 14 (DEE14). Also called: Early infantile epileptic encephalopathy 14. Identifiers: Orphanet 293181, MedGen C3554195, MONDO:0013989, OMIM 614959.

Submission:

Labcorp Genetics (formerly Invitae), Labcorp
Classification: Uncertain significance for Autosomal dominant nocturnal frontal lobe epilepsy 5; Developmental and epileptic encephalopathy, 14. Last evaluated: 2024-02-07. Review status: criteria provided, single submitter. Criteria: Invitae Variant Classification Sherloc (09022015). Collection method: clinical testing. Allele origin: germline.
Comment: This sequence change replaces leucine, which is neutral and non-polar, with proline, which is neutral and non-polar, at codon 880 of the KCNT1 protein (p.Leu880Pro). This variant is not present in population databases (gnomAD no frequency). This variant has not been reported in the literature in individuals affected with KCNT1-related conditions. Advanced modeling of protein sequence and biophysical properties (such as structural, functional, and spatial information, amino acid conservation, physicochemical variation, residue mobility, and thermodynamic stability) performed at Invitae indicates that this missense variant is not expected to disrupt KCNT1 protein function with a negative predictive value of 80%. In summary, the available evidence is currently insufficient to determine the role of this variant in disease. Therefore, it has been classified as a Variant of Uncertain Significance.